The following is an entry in ClinVar:

ClinVar aggregate classification (germline): Uncertain significance. Review status: criteria provided, multiple submitters, no conflicts (2 of 4 stars). 2 submissions from 2 submitters: Uncertain significance (2). Last evaluated 2025-06-17.

Submissions (2):

Labcorp Genetics (formerly Invitae), Labcorp
Classification: Uncertain significance. Last evaluated: 2025-06-17. Review status: criteria provided, single submitter. Criteria: Invitae Variant Classification Sherloc (09022015). Collection method: clinical testing. Allele origin: germline.
Comment: This sequence change falls in intron 14 of the DNAH9 gene. It does not directly change the encoded amino acid sequence of the DNAH9 protein. It affects a nucleotide within the consensus splice site. This variant is present in population databases (rs759630526, gnomAD 0.02%). This variant has not been reported in the literature in individuals affected with DNAH9-related conditions. ClinVar contains an entry for this variant (Variation ID: 3712201). Variants that disrupt the consensus splice site are a relatively common cause of aberrant splicing (PMID: 17576681, 9536098). Algorithms developed to predict the effect of sequence changes on RNA splicing suggest that this variant may disrupt the consensus splice site. In summary, the available evidence is currently insufficient to determine the role of this variant in disease. Therefore, it has been classified as a Variant of Uncertain Significance.

GeneDx
Classification: Uncertain significance. Last evaluated: 2024-08-16. Review status: criteria provided, single submitter. Criteria: GeneDx Variant Classification Process June 2021. Collection method: clinical testing. Allele origin: germline. Affected: yes.
Comment: In silico analysis indicates that this variant does not alter splicing; Has not been previously published as pathogenic or benign to our knowledge

Literature cited by the submitters: PubMed 17576681 (cited by Labcorp Genetics (formerly Invitae), Labcorp); PubMed 9536098 (cited by Labcorp Genetics (formerly Invitae), Labcorp).

NM_001372.4(DNAH9):c.2596-2dup

Gene: DNAH9 (dynein axonemal heavy chain 9; plus strand). Cytogenetic location: 17p12.
Variant type: Duplication.
Coding change: c.2596-2dup on transcript NM_001372.4 (MANE Select); the canonical splice acceptor site of the intron before coding-DNA position 2596, one base duplicated (A; older notation c.2596-2dupA).
Molecular consequence: splice acceptor variant.
Genome position (GRCh38, 1-based): chr17:11,664,831, A duplicated. VCF-style (leftmost placement, unchanged base first): chr17-11664830-T-TA. GRCh37 (hg19) VCF-style: chr17-11568147-T-TA.
Identifiers: ClinVar variation 3712201 (VCV003712201.2).